The following is an entry in ClinVar:

NM_001042492.3(NF1):c.7005C>T (p.Thr2335=)

Gene: NF1 (neurofibromin 1; plus strand). Cytogenetic location: 17q11.2.
Variant type: single nucleotide variant.
Coding change: c.7005C>T on transcript NM_001042492.3 (MANE Select); coding-DNA position 7005, C replaced by T.
Protein change: p.Thr2335=; no amino-acid change (threonine 2335 retained).
Molecular consequence: synonymous variant.
Genome position (GRCh38, 1-based): chr17:31,340,588, C>T. VCF-style: chr17-31340588-C-T. GRCh37 (hg19) VCF-style: chr17-29667606-C-T.
Other names: c.6942C>T, p.Thr2314= (NM_000267.4).
Identifiers: ClinVar variation 232640 (VCV000232640.39), dbSNP rs2040793, ClinGen allele CA8487471.

ClinVar aggregate classification (germline): Likely benign. Review status: criteria provided, multiple submitters, no conflicts (2 of 4 stars). 4 submissions from 4 submitters: Likely benign (4). Last evaluated 2025-04-23.

Conditions:
Hereditary cancer-predisposing syndrome. Also called: Neoplastic Syndromes, Hereditary; Hereditary Cancer Syndrome; Tumor predisposition; Hereditary neoplastic syndrome. Identifiers: Orphanet 140162, MedGen C0027672, MeSH D009386, MONDO:0015356.
Neurofibromatosis, type 1 (NF1). Also called: VON RECKLINGHAUSEN DISEASE; Peripheral type neurofibromatosis; NEUROFIBROMATOSIS, TYPE I, SOMATIC; Neurofibromatosis, type I. Identifiers: Orphanet 636, MedGen C0027831, MONDO:0018975, OMIM 162200. Disease mechanism: loss of function.

Allele frequency attached by ClinVar (database versions not stated): gnomAD 0.00001; gnomAD exomes 0.00001; TOPMed 0.00001; ExAC 0.00002.
gnomAD v4.1: 12 of 1,613,894 alleles (0.00074%); highest among the groups gnomAD compares: South Asian, 0.0033%; no homozygotes.

Submissions (4):

Labcorp Genetics (formerly Invitae), Labcorp
Classification: Likely benign for Neurofibromatosis, type 1. Last evaluated: 2025-04-23. Review status: criteria provided, single submitter. Criteria: Invitae Variant Classification Sherloc (09022015). Collection method: clinical testing. Allele origin: germline.

CeGaT Center for Human Genetics Tuebingen
Classification: Likely benign. Last evaluated: 2023-01-01. Review status: criteria provided, single submitter. Criteria: CeGaT Center For Human Genetics Tuebingen Variant Classification Criteria Version 2. Collection method: clinical testing. Allele origin: germline. Affected: yes. Observed: 1 variant allele.
Comment: NF1: BP4, BP7

Genome-Nilou Lab
Classification: Likely benign for Neurofibromatosis, type 1. Last evaluated: 2022-03-15. Review status: criteria provided, single submitter. Criteria: ACMG Guidelines, 2015. Collection method: clinical testing. Allele origin: germline. Affected: no.

Ambry Genetics
Classification: Likely benign for Hereditary cancer-predisposing syndrome. Last evaluated: 2015-06-29. Review status: criteria provided, single submitter. Criteria: Ambry Autosomal Dominant and X-Linked criteria (10/2015). Collection method: clinical testing. Allele origin: germline. Observed: 1 variant allele.